The following is an entry in ClinVar:

NM_000512.5(GALNS):c.422+1G>A

Gene: GALNS (galactosamine (N-acetyl)-6-sulfatase; minus strand). Cytogenetic location: 16q24.3.
Variant type: single nucleotide variant.
Coding change: c.422+1G>A on transcript NM_000512.5 (MANE Select); the canonical splice donor site of the intron after coding-DNA position 422, G replaced by A.
Molecular consequence: splice donor variant.
Genome position (GRCh38, 1-based): chr16:88,840,991, C>T on the plus strand (G>A on the coding strand, the complement: GALNS is on the minus strand). VCF-style: chr16-88840991-C-T. GRCh37 (hg19) VCF-style: chr16-88907399-C-T.
Other names: c.-134+1G>A (NM_001323543.2); c.440+1G>A (NM_001323544.2).
Identifiers: ClinVar variation 1048399 (VCV001048399.3), dbSNP rs1966940003, ClinGen allele CA397087506.

ClinVar aggregate classification (germline): Likely pathogenic (1 of 4 stars; one submission).

Conditions:
Mucopolysaccharidosis, MPS-IV-A (MPS4A). Also called: Mucopolysaccharidosis type IV A; Mucopolysaccharidosis Type IVA; Morquio syndrome A, mild; MORQUIO SYNDROME A; MPS IVA; mucopolysaccharidosis type 4A. Identifiers: Orphanet 309297, Orphanet 582, MedGen C0086651, MONDO:0009659, OMIM 253000.

Allele frequency attached by ClinVar (database versions not stated): TOPMed below 0.00001.

Submission:

Laboratory of Diagnosis and Therapy of Lysosomal Disorders, University of Padova
Classification: Likely pathogenic for Mucopolysaccharidosis, MPS-IV-A. Last evaluated: 2021-02-01. Review status: criteria provided, single submitter. Criteria: ACMG Guidelines, 2015. Collection method: curation. Allele origin: germline. Affected: yes.
Comment: Splicing variant in canonical site (PVS1_very strong); absent from gnomAD v2.1.1 (PM2_moderate)

Literature cited by the submitters: PubMed 9375852; PubMed 34387910.